The following is an entry in ClinVar:

NM_017636.4(TRPM4):c.2791TTC[2] (p.Phe933del)

Gene: TRPM4 (transient receptor potential cation channel subfamily M member 4; plus strand). Cytogenetic location: 19q13.33.
Variant type: Microsatellite.
Coding change: c.2791TTC[2] on transcript NM_017636.4 (MANE Select); two copies in a row of the 3-base unit TTC starting at c.2791; the reference has three copies in a row; one copy, 3 bases deleted.
Protein change: p.Phe933del; deletes phenylalanine 933.
Molecular consequence: inframe deletion.
Genome position (GRCh38, 1-based): chr19:49,200,629-49,200,631, TTC deleted; deleting any 3 consecutive bases within chr19:49,200,623-49,200,631 gives the same sequence; the position shown is the placement nearest the transcript's 3' end. VCF-style (leftmost placement, unchanged base first): chr19-49200622-GTTC-G. GRCh37 (hg19) VCF-style: chr19-49703879-GTTC-G.
Other names: c.2356TTC[2], p.Phe788del (NM_001195227.2); c.2446TTC[2], p.Phe818del (NM_001321281.2); c.1183TTC[2], p.Phe397del (NM_001321282.2); c.2269TTC[2], p.Phe759del (NM_001321283.2); c.1729TTC[2], p.Phe579del (NM_001321285.2); short protein forms F579del, F933del, F759del, F818del, F397del, F788del.
Identifiers: ClinVar variation 1038816 (VCV001038816.11), dbSNP rs753722479, ClinGen allele CA9569680.
Genomic context (GRCh38, chr19:49,200,622, plus strand): 5'-GGCCAGAGTAGGAAAGGGCGGGGCCAGACTCAGCCACATCTCCCCACAGATGAAGGACGT[GTTC>G]TTCTTCCTCTTCTTCCTCGGCGTGTGGCTGGTAGCCTATGGCGTGGCCACGGAGGGGCTC-3'

ClinVar aggregate classification (germline): Uncertain significance. Review status: criteria provided, multiple submitters, no conflicts (2 of 4 stars). 2 submissions from 2 submitters: Uncertain significance (2). Last evaluated 2025-04-07.

Conditions:
Progressive familial heart block type IB (PFHB1B). Identifiers: Orphanet 871, MedGen C1970298, MONDO:0011474, OMIM 604559.
Cardiovascular phenotype. Identifiers: MedGen CN230736.

Submissions (2):

Ambry Genetics
Classification: Uncertain significance for Cardiovascular phenotype. Last evaluated: 2025-04-07. Review status: criteria provided, single submitter. Criteria: Ambry Variant Classification Scheme 2023. Collection method: clinical testing. Allele origin: germline.
Comment: The c.2797_2799delTTC variant (also known as p.F933del) is located in coding exon 19 of the TRPM4 gene. This variant results from an in-frame TTC deletion at nucleotide positions 2797 to 2799. This results in the in-frame deletion of a phenylalanine at codon 933. This amino acid position is highly conserved in available vertebrate species. In addition, this alteration is predicted to be deleterious by in silico analysis (Choi Y et al. PLoS ONE. 2012; 7(10):e46688). Based on the available evidence, the clinical significance of this variant remains unclear.

Labcorp Genetics (formerly Invitae), Labcorp
Classification: Uncertain significance for Progressive familial heart block type IB. Last evaluated: 2023-10-18. Review status: criteria provided, single submitter. Criteria: Invitae Variant Classification Sherloc (09022015). Collection method: clinical testing. Allele origin: germline.
Comment: This variant, c.2797_2799del, results in the deletion of 1 amino acid(s) of the TRPM4 protein (p.Phe933del), but otherwise preserves the integrity of the reading frame. This variant is present in population databases (rs753722479, gnomAD 0.01%). This variant has not been reported in the literature in individuals affected with TRPM4-related conditions. ClinVar contains an entry for this variant (Variation ID: 1038816). Experimental studies and prediction algorithms are not available or were not evaluated, and the functional significance of this variant is currently unknown. Algorithms developed to predict the effect of sequence changes on RNA splicing suggest that this variant may disrupt the consensus splice site. In summary, the available evidence is currently insufficient to determine the role of this variant in disease. Therefore, it has been classified as a Variant of Uncertain Significance.